The following is an entry in ClinVar:

ClinVar aggregate classification (germline): Conflicting classifications of pathogenicity. Review status: criteria provided, conflicting classifications (1 of 4 stars). 11 submissions from 11 submitters: Uncertain significance (9); Likely benign (1). 1 of the submissions does not count toward it. Last evaluated 2026-02-02.

Conditions:
Cardiovascular phenotype. Identifiers: MedGen CN230736.
Walker-Warburg congenital muscular dystrophy. Also called: Muscular dystrophy-dystroglycanopathy, type A; Walker-Warburg syndrome. Identifiers: Orphanet 899, MedGen C0265221, MONDO:0000171.
Autosomal recessive limb-girdle muscular dystrophy type 2M. Also called: MUSCULAR DYSTROPHY-DYSTROGLYCANOPATHY (LIMB-GIRDLE), TYPE C, 4; MUSCULAR DYSTROPHY, LIMB-GIRDLE, TYPE 2M. Identifiers: Orphanet 206554, MedGen C1969040, MONDO:0012699, OMIM 611588.
Muscular dystrophy-dystroglycanopathy (congenital without impaired intellectual development), type B, 4. Also called: MUSCULAR DYSTROPHY, CONGENITAL, FKTN-RELATED; Muscular dystrophy-dystroglycanopathy (congenital without intellectual disability), type B4. Identifiers: MedGen C2751052, MONDO:0013156, OMIM 613152.
Dilated cardiomyopathy 1X (CMD1X). Also called: FKTN-Related Dilated Cardiomyopathy; CARDIOMYOPATHY, DILATED, WITH MILD OR NO PROXIMAL MUSCLE WEAKNESS. Identifiers: Orphanet 154, MedGen C1969024, MONDO:0012704, OMIM 611615.
Muscular dystrophy-dystroglycanopathy (congenital with brain and eye anomalies), type A1 (MDDGA1). Also called: WALKER-WARBURG SYNDROME OR MUSCLE-EYE-BRAIN DISEASE, POMT1-RELATED; Hydrocephalus, agyria and retinal dysplasia; Hard +/- E syndrome; Warburg syndrome; Chemke syndrome; Pagon syndrome. Identifiers: Orphanet 588, Orphanet 899, MedGen C4284790, MONDO:0009364, OMIM 236670.
Muscular dystrophy-dystroglycanopathy (congenital with brain and eye anomalies), type A, 4 (MDDGA4). Also called: Congenital muscular dystrophy-dystroglycanopathy with brain and eye anomalies, type A4; Muscular dystrophy, congenital progressive, with mental retardation; Muscular dystrophy, congenital, with central nervous system involvement; Cerebromuscular dystrophy, Fukuyama type; Walker-Warburg Syndrome, Fktn-Related; WALKER-WARBURG SYNDROME OR MUSCLE-EYE-BRAIN DISEASE, FKTN-RELATED. Identifiers: Orphanet 272, Orphanet 588, Orphanet 899, MedGen C0410174, MONDO:0009678, OMIM 253800.

Allele frequency attached by ClinVar (database versions not stated): ExAC 0.00010; gnomAD 0.00028 and 0.00032; TOPMed 0.00029; ESP Exome Variant Server 0.00031.
gnomAD v4.1: 80 of 1,608,538 alleles (0.005%); highest among the groups gnomAD compares: African/African-American, 0.1%; no homozygotes.

Submissions (11):

Labcorp Genetics (formerly Invitae), Labcorp
Classification: Likely benign for Walker-Warburg congenital muscular dystrophy. Last evaluated: 2026-02-02. Review status: criteria provided, single submitter. Criteria: Invitae Variant Classification Sherloc (09022015). Collection method: clinical testing. Allele origin: germline.

GeneDx
Classification: Uncertain significance. Last evaluated: 2025-10-01. Review status: criteria provided, single submitter. Criteria: GeneDx Variant Classification Process June 2021. Collection method: clinical testing. Allele origin: germline. Affected: yes.
Comment: In silico analysis suggests that this missense variant does not alter protein structure/function; Has not been previously published as pathogenic or benign to our knowledge

Women's Health and Genetics/Laboratory Corporation of America, LabCorp
Classification: Uncertain significance. Last evaluated: 2025-07-11. Review status: criteria provided, single submitter. Criteria: LabCorp Variant Classification Summary - May 2015. Collection method: clinical testing. Allele origin: germline.

Ambry Genetics
Classification: Uncertain significance for Cardiovascular phenotype. Last evaluated: 2025-04-01. Review status: criteria provided, single submitter. Criteria: Ambry Variant Classification Scheme 2023. Collection method: clinical testing. Allele origin: germline.
Comment: The p.V9F variant (also known as c.25G>T), located in coding exon 1 of the FKTN gene, results from a G to T substitution at nucleotide position 25. The valine at codon 9 is replaced by phenylalanine, an amino acid with highly similar properties. This amino acid position is poorly conserved in available vertebrate species. In addition, the in silico prediction for this alteration is inconclusive. Based on the available evidence, the clinical significance of this variant remains unclear.

Mayo Clinic Laboratories, Mayo Clinic
Classification: Uncertain significance. Last evaluated: 2024-07-18. Review status: criteria provided, single submitter. Criteria: ACMG Guidelines, 2015. Collection method: clinical testing. Allele origin: germline. Observed: 1 variant allele.

Revvity Omics, Revvity
Classification: Uncertain significance. Last evaluated: 2024-03-12. Review status: criteria provided, single submitter. Criteria: ACMG Guidelines, 2015. Collection method: clinical testing. Allele origin: germline.

ARUP Laboratories, Molecular Genetics and Genomics, ARUP Laboratories
Classification: Uncertain significance. Last evaluated: 2022-02-08. Review status: criteria provided, single submitter. Criteria: ARUP Molecular Germline Variant Investigation Process 2021. Collection method: clinical testing. Allele origin: germline.
Comment: The FKTN c.25G>T; p.Val9Phe variant (rs145387221), to our knowledge, is not reported in the medical literature but is reported in ClinVar (Variation ID: 162566). This variant is found in the African population with an allele frequency of 0.11% (28/24966 alleles) in the Genome Aggregation Database. The valine at codon nine is moderately conserved, and computational analyses are uncertain whether this variant is neutral or deleterious (REVEL: 0.587). However, given the lack of clinical and functional data, the significance of the p.Val9Phe variant is uncertain at this time.

Fulgent Genetics
Classification: Uncertain significance for Muscular dystrophy-dystroglycanopathy (congenital with brain and eye anomalies), type A1; Muscular dystrophy-dystroglycanopathy (congenital with brain and eye anomalies), type A, 4; Autosomal recessive limb-girdle muscular dystrophy type 2M; Dilated cardiomyopathy 1X; Muscular dystrophy-dystroglycanopathy (congenital without impaired intellectual development), type B, 4. Last evaluated: 2021-10-14. Review status: criteria provided, single submitter. Criteria: ACMG Guidelines, 2015. Collection method: clinical testing. Allele origin: unknown.

Eurofins Ntd Llc (ga)
Classification: Uncertain significance. Last evaluated: 2018-08-31. Review status: criteria provided, single submitter. Criteria: EGL ClinVar v180209 classification definitions. Collection method: clinical testing. Allele origin: germline. Observed: 1 variant allele, 1 heterozygote.

Breakthrough Genomics
Classification: Uncertain significance. Review status: criteria provided, single submitter. Criteria: ACMG Guidelines, 2015. Collection method: not provided. Allele origin: germline. Inheritance: Autosomal recessive inheritance. Affected: yes.

Natera, Inc.
Classification: Uncertain significance for Walker-Warburg congenital muscular dystrophy. Last evaluated: 2021-03-16. Review status: no assertion criteria provided. Collection method: clinical testing. Allele origin: germline. Not counted in ClinVar's aggregate classification.

NM_001079802.2(FKTN):c.25G>T (p.Val9Phe)

Gene: FKTN (fukutin; plus strand). Cytogenetic location: 9q31.2.
Variant type: single nucleotide variant.
Coding change: c.25G>T on transcript NM_001079802.2 (MANE Select); coding-DNA position 25, G replaced by T.
Protein change: p.Val9Phe; replaces valine 9 with phenylalanine.
Molecular consequence: missense variant. On other transcripts: 5 prime UTR variant (5), non-coding transcript variant (2).
Genome position (GRCh38, 1-based): chr9:105,575,057, G>T. VCF-style: chr9-105575057-G-T. GRCh37 (hg19) VCF-style: chr9-108337338-G-T.
Other names: p.V9F:GTT>TTT; p.Val9Phe; c.25G>T, p.Val9Phe (NM_001198963.2, NM_001351496.2, NM_001351498.2 and 1 more transcripts); c.-143G>T (NM_001351497.2); c.-490G>T (NM_001351499.2, NM_001351500.2, NM_001351501.2 and 1 more transcripts); short protein forms V9F.
Identifiers: ClinVar variation 162566 (VCV000162566.32), dbSNP rs145387221, ClinGen allele CA295350.